The following is an entry in ClinVar:

NM_000878.5(IL2RB):c.903+62A>C

Gene: IL2RB (interleukin 2 receptor subunit beta; minus strand). Cytogenetic location: 22q12.3.
Variant type: single nucleotide variant.
Coding change: c.903+62A>C on transcript NM_000878.5 (MANE Select); 62 bases into the intron after coding-DNA position 903, A replaced by C.
Molecular consequence: intron variant.
Genome position (GRCh38, 1-based): chr22:37,132,322, T>G on the plus strand (A>C on the coding strand, the complement: IL2RB is on the minus strand). VCF-style: chr22-37132322-T-G. GRCh37 (hg19) VCF-style: chr22-37528362-T-G.
Other names: c.903+62A>C (NM_001346223.2, NM_001346222.1).
Identifiers: ClinVar variation 2688435 (VCV002688435.2), dbSNP rs2072861, ClinGen allele CA14940306.

ClinVar aggregate classification (germline): Benign (1 of 4 stars; one submission).

Allele frequency attached by ClinVar (database versions not stated): TOPMed 0.30702; gnomAD 0.31178; 1000 Genomes Project 30x 0.36134; 1000 Genomes Project 0.37061.
gnomAD v4.1: 431,705 of 1,316,772 alleles (33%); highest among the groups gnomAD compares: East Asian, 62%; 74,073 homozygotes.

Submission:

Unidad de Genómica Garrahan, Hospital de Pediatría Garrahan
Classification: Benign. Last evaluated: 2024-01-24. Review status: criteria provided, single submitter. Criteria: ACMG Guidelines, 2015. Collection method: clinical testing. Allele origin: germline. Affected: no. Observed: 36 variant alleles.
Comment: This variant is classified as Benign based on local population frequency. This variant was detected in 41% of patients studied by a panel of primary immunodeficiencies. Number of patients: 36. Only high quality variants are reported.